The following is an entry in ClinVar:

NM_004836.7(EIF2AK3):c.1539G>A (p.Lys513=)

Gene: EIF2AK3 (eukaryotic translation initiation factor 2 alpha kinase 3; minus strand). Cytogenetic location: 2p11.2.
Variant type: single nucleotide variant.
Coding change: c.1539G>A on transcript NM_004836.7 (MANE Select); coding-DNA position 1539, G replaced by A.
Protein change: p.Lys513=; no amino-acid change (lysine 513 retained).
Molecular consequence: synonymous variant.
Genome position (GRCh38, 1-based): chr2:88,585,952, C>T on the plus strand (G>A on the coding strand, the complement: EIF2AK3 is on the minus strand). VCF-style: chr2-88585952-C-T. GRCh37 (hg19) VCF-style: chr2-88885470-C-T.
Other names: c.1086G>A, p.Lys362= (NM_001313915.2).
Identifiers: ClinVar variation 717265 (VCV000717265.14), dbSNP rs55716350, ClinGen allele CA1754674.

ClinVar aggregate classification (germline): Benign/Likely benign. Review status: criteria provided, multiple submitters, no conflicts (2 of 4 stars). 3 submissions from 3 submitters: Benign (2); Likely benign (1). Last evaluated 2026-01-26.

Conditions:
Wolcott-Rallison dysplasia. Also called: MED-IDDM SYNDROME; Wolcott-Rallison syndrome. Identifiers: Orphanet 1667, MedGen C0432217, MONDO:0009192, OMIM 226980.

Allele frequency attached by ClinVar (database versions not stated): gnomAD 0.00058 and 0.00070; gnomAD exomes 0.00059 and 0.00165; TOPMed 0.00080; 1000 Genomes Project 0.00100; 1000 Genomes Project 30x 0.00125; ExAC 0.00146.
gnomAD v4.1: 974 of 1,614,062 alleles (0.06%); highest among the groups gnomAD compares: East Asian, 2%; 11 homozygotes.

Submissions (3):

Labcorp Genetics (formerly Invitae), Labcorp
Classification: Benign. Last evaluated: 2026-01-26. Review status: criteria provided, single submitter. Criteria: Invitae Variant Classification Sherloc (09022015). Collection method: clinical testing. Allele origin: germline.

Fulgent Genetics
Classification: Likely benign for Wolcott-Rallison dysplasia. Last evaluated: 2021-11-03. Review status: criteria provided, single submitter. Criteria: ACMG Guidelines, 2015. Collection method: clinical testing. Allele origin: unknown.

Illumina Laboratory Services, Illumina
Classification: Benign for Wolcott-Rallison dysplasia. Last evaluated: 2017-04-27. Review status: criteria provided, single submitter. Criteria: ICSL Variant Classification Criteria 13 December 2019. Collection method: clinical testing. Allele origin: germline.
Comment: This variant was observed as part of a predisposition screen in an ostensibly healthy population. A literature search was performed for the gene, cDNA change, and amino acid change (where applicable). No publications were found based on this search. Allele frequency data from public databases was too high to be consistent with this variant causing disease. Therefore, this variant is classified as benign.